The following is an entry in ClinVar:

ClinVar aggregate classification (germline): Uncertain significance. Review status: criteria provided, multiple submitters, no conflicts (2 of 4 stars). 2 submissions from 2 submitters: Uncertain significance (2). Last evaluated 2025-10-18.

Allele frequency attached by ClinVar (database versions not stated): TOPMed 0.00002; ExAC 0.00003; gnomAD exomes 0.00003.
gnomAD v4.1: 48 of 1,613,888 alleles (0.003%); highest among the groups gnomAD compares: East Asian, 0.011%; no homozygotes.

Submissions (2):

Labcorp Genetics (formerly Invitae), Labcorp
Classification: Uncertain significance. Last evaluated: 2025-10-18. Review status: criteria provided, single submitter. Criteria: Invitae Variant Classification Sherloc (09022015). Collection method: clinical testing. Allele origin: germline.
Comment: This sequence change replaces serine, which is neutral and polar, with leucine, which is neutral and non-polar, at codon 199 of the RPS6KC1 protein (p.Ser199Leu). This variant is present in population databases (rs766825388, gnomAD 0.006%). This variant has not been reported in the literature in individuals affected with RPS6KC1-related conditions. ClinVar contains an entry for this variant (Variation ID: 1961081). An algorithm developed to predict the effect of missense changes on protein structure and function outputs the following: PolyPhen-2: "Benign". The leucine amino acid residue is found in multiple mammalian species, which suggests that this missense change does not adversely affect protein function. Algorithms developed to predict the effect of sequence changes on RNA splicing suggest that this variant may create or strengthen a splice site. In summary, the available evidence is currently insufficient to determine the role of this variant in disease. Therefore, it has been classified as a Variant of Uncertain Significance.

Ambry Genetics
Classification: Uncertain significance. Last evaluated: 2025-08-07. Review status: criteria provided, single submitter. Criteria: Ambry Variant Classification Scheme 2023. Collection method: clinical testing. Allele origin: germline.

NM_012424.6(RPS6KC1):c.596C>T (p.Ser199Leu)

Gene: RPS6KC1 (ribosomal protein S6 kinase C1; plus strand). Cytogenetic location: 1q32.3.
Variant type: single nucleotide variant.
Coding change: c.596C>T on transcript NM_012424.6 (MANE Select); coding-DNA position 596, C replaced by T.
Protein change: p.Ser199Leu; replaces serine 199 with leucine.
Molecular consequence: missense variant. On other transcripts: 5 prime UTR variant (13), non-coding transcript variant (3), intron variant (5).
Genome position (GRCh38, 1-based): chr1:213,129,650, C>T. VCF-style: chr1-213129650-C-T. GRCh37 (hg19) VCF-style: chr1-213302993-C-T.
Other names: c.560C>T, p.Ser187Leu (NM_001136138.4); c.53C>T, p.Ser18Leu (NM_001287218.3, NM_001287219.3, NM_001287221.3 and 7 more transcripts); c.-619C>T (NM_001287220.3, NM_001349666.2, NM_001349667.2 and 4 more transcripts); c.596C>T, p.Ser199Leu (NM_001349646.2); c.-692C>T (NM_001349659.2); c.-612C>T (NM_001349660.2, NM_001349661.2, NM_001349662.2); c.-526C>T (NM_001349664.2, NM_001349670.2); c.-57+12240C>T (NM_001349658.2); and 5 more; short protein forms S18L, S199L, S187L.
Identifiers: ClinVar variation 1961081 (VCV001961081.7), dbSNP rs766825388, ClinGen allele CA1387212.